The following is an entry in ClinVar:

NC_000011.9:g.(22272558_22276916)_(22284590_22291857)del

Gene: ANO5 (anoctamin 5; plus strand). Cytogenetic location: 11p14.3.
Variant type: Deletion.
Identifiers: ClinVar variation 2429325 (VCV002429325.3).

ClinVar aggregate classification (germline): Likely pathogenic (1 of 4 stars; one submission).

Conditions:
Autosomal recessive limb-girdle muscular dystrophy. Identifiers: Orphanet 102015, MedGen C2931907, MONDO:0015152.

Submission:

Women's Health and Genetics/Laboratory Corporation of America, LabCorp
Classification: Likely pathogenic for Autosomal recessive limb-girdle muscular dystrophy. Last evaluated: 2023-01-31. Review status: criteria provided, single submitter. Criteria: LabCorp Variant Classification Summary - May 2015. Collection method: clinical testing. Allele origin: germline.
Comment: Variant summary: The variant identified by MLPA or other technology involves the deletion of exons 13-17 in the ANO5 gene. A presumed nomenclature of c.(1180+1_1181-1)_(1898+1_1899-1)del has been designated for the purposes of this classification. Although exact breakpoints of this deletion are not known, it is expected to result in a frameshift in the ANO5 gene, a known mechanism of disease. The variant was absent in 21694 control chromosomes in gnomAD database (structural variants data set). Deletion of exons 13-17 has been reported in the literature in an individual affected with anoctaminopathy-5 (example: Lahoria_2014) These data indicate that the variant may be associated with disease. No clinical diagnostic laboratories have submitted clinical-significance assessments for this variant to ClinVar after 2014. Based on the evidence outlined above, the variant was classified as likely pathogenic.

Literature cited by the submitters: PubMed 24889862.